The following is an entry in ClinVar:

ClinVar aggregate classification (germline): Likely pathogenic (1 of 4 stars; one submission).

Conditions:
TSC2-related disorder. Also called: TSC2-Related Disorders; TSC2-related condition.

Submission:

PreventionGenetics, part of Exact Sciences
Classification: Likely pathogenic for TSC2-related condition. Last evaluated: 2022-11-10. Review status: criteria provided, single submitter. Criteria: ACMG Guidelines, 2015. Collection method: clinical testing. Allele origin: germline.
Comment: The TSC2 c.2639+5G>C variant is predicted to interfere with splicing. This variant is predicted to alter splicing based on available splicing prediction programs (Alamut Visual v2.11). However, the use of computer prediction programs is not equivalent to functional evidence. To our knowledge, this variant has not been reported in the literature or in a large population database, indicating this variant is rare. This variant is interpreted as likely pathogenic.

NM_000548.5(TSC2):c.2639+5G>C

Gene: TSC2 (TSC complex subunit 2; plus strand). Cytogenetic location: 16p13.3.
Variant type: single nucleotide variant.
Coding change: c.2639+5G>C on transcript NM_000548.5 (MANE Select); 5 bases into the intron after coding-DNA position 2639, G replaced by C.
Molecular consequence: intron variant.
Genome position (GRCh38, 1-based): chr16:2,075,897, G>C. VCF-style: chr16-2075897-G-C. GRCh37 (hg19) VCF-style: chr16-2125898-G-C.
Other names: c.1295+5G>C (NM_001406693.1, NM_001406689.1, NM_001406690.1 and 6 more transcripts); c.2729+5G>C (NM_001406667.1, NM_001406668.1); c.2039+5G>C (NM_001406680.1, NM_001406683.1, NM_001406687.1 and 6 more transcripts); c.1037+5G>C (NM_001406698.1); c.2639+5G>C (NM_001114382.3, NM_001406663.1, NM_001406664.1 and 6 more transcripts); c.2627+5G>C (NM_001406671.1, NM_001406673.1); c.2177+5G>C (NM_001406681.1); c.2528+5G>C (NM_001406670.1, NM_001318827.2, NM_001406678.1); and 3 more.
Identifiers: ClinVar variation 2636544 (VCV002636544.1), dbSNP rs397515171, ClinGen allele CA2695197426.